The following is an entry in ClinVar:

NM_001903.5(CTNNA1):c.1489G>A (p.Val497Ile)

Gene: CTNNA1 (catenin alpha 1; plus strand). Cytogenetic location: 5q31.2.
Variant type: single nucleotide variant.
Coding change: c.1489G>A on transcript NM_001903.5 (MANE Select); coding-DNA position 1489, G replaced by A.
Protein change: p.Val497Ile; replaces valine 497 with isoleucine.
Molecular consequence: missense variant.
Genome position (GRCh38, 1-based): chr5:138,917,841, G>A. VCF-style: chr5-138917841-G-A. GRCh37 (hg19) VCF-style: chr5-138253530-G-A.
Other names: c.1489G>A (NM_001903.2); c.1489G>A, p.Val497Ile (NM_001290307.3, NM_001323982.2, NM_001323983.1 and 2 more transcripts); c.1180G>A, p.Val394Ile (NM_001290309.3); c.1120G>A, p.Val374Ile (NM_001290310.3); c.379G>A, p.Val127Ile (NM_001290312.1, NM_001323987.1, NM_001323988.1 and 17 more transcripts); c.1396G>A, p.Val466Ile (NM_001323986.2); c.40G>A, p.Val14Ile (NM_001324006.1, NM_001324007.1, NM_001324008.1 and 2 more transcripts); c.286G>A, p.Val96Ile (NM_001324011.1); and 1 more; short protein forms V127I, V14I, V46I, V374I, V96I, V394I, V466I, V497I.
Identifiers: ClinVar variation 1525209 (VCV001525209.7), dbSNP rs2150234448, ClinGen allele CA361137305.
Genomic context (GRCh38, chr5:138,917,841, plus strand): 5'-AGTAAACTGGCCCAAGAGAACATGGATCTTTTTAAAGAACAATGGGAAAAACAAGTCCGT[G>A]TTCTCACAGATGCTGTCGATGACATTACTTCCATTGATGACTTCTTGGCTGTCTCAGGTA-3'
Protein context (NP_001894.2, residues 487-507): FKEQWEKQVR[Val497Ile]LTDAVDDITS

ClinVar aggregate classification (germline): Uncertain significance. Review status: criteria provided, multiple submitters, no conflicts (2 of 4 stars). 2 submissions from 2 submitters: Uncertain significance (2). Last evaluated 2023-03-05.

Conditions:
Hereditary cancer-predisposing syndrome. Also called: Neoplastic Syndromes, Hereditary; Hereditary Cancer Syndrome; Tumor predisposition; Hereditary neoplastic syndrome. Identifiers: Orphanet 140162, MedGen C0027672, MeSH D009386, MONDO:0015356.

Submissions (2):

Ambry Genetics
Classification: Uncertain significance for Hereditary cancer-predisposing syndrome. Last evaluated: 2023-03-05. Review status: criteria provided, single submitter. Criteria: Ambry Variant Classification Scheme 2023. Collection method: clinical testing. Allele origin: germline.
Comment: The p.V497I variant (also known as c.1489G>A), located in coding exon 10 of the CTNNA1 gene, results from a G to A substitution at nucleotide position 1489. The valine at codon 497 is replaced by isoleucine, an amino acid with highly similar properties. This amino acid position is conserved. In addition, this alteration is predicted to be tolerated by in silico analysis. Since supporting evidence is limited at this time, the clinical significance of this alteration remains unclear.

Labcorp Genetics (formerly Invitae), Labcorp
Classification: Uncertain significance. Last evaluated: 2021-10-13. Review status: criteria provided, single submitter. Criteria: Invitae Variant Classification Sherloc (09022015). Collection method: clinical testing. Allele origin: germline.
Comment: In summary, the available evidence is currently insufficient to determine the role of this variant in disease. Therefore, it has been classified as a Variant of Uncertain Significance. This sequence change replaces valine with isoleucine at codon 497 of the CTNNA1 protein (p.Val497Ile). The valine residue is highly conserved and there is a small physicochemical difference between valine and isoleucine. This variant is not present in population databases (ExAC no frequency). This variant has not been reported in the literature in individuals affected with CTNNA1-related conditions. Algorithms developed to predict the effect of missense changes on protein structure and function are either unavailable or do not agree on the potential impact of this missense change (SIFT: "Deleterious"; PolyPhen-2: "Benign"; Align-GVGD: "Class C0").